The following is an entry in ClinVar:

ClinVar aggregate classification (germline): Likely benign (0 of 4 stars; one submission).

Conditions:
ACACB-related disorder. Also called: ACACB-related condition.

Allele frequency attached by ClinVar (database versions not stated): 1000 Genomes Project 0.00120; 1000 Genomes Project 30x 0.00141; ESP Exome Variant Server 0.00238.
gnomAD v4.1: 512 of 1,612,418 alleles (0.032%); highest among the groups gnomAD compares: African/African-American, 0.61%; no homozygotes.

Submission:

PreventionGenetics, part of Exact Sciences
Classification: Likely benign for ACACB-related condition. Last evaluated: 2022-07-20. Review status: no assertion criteria provided. Collection method: clinical testing. Allele origin: germline.
Comment: This variant is classified as likely benign based on ACMG/AMP sequence variant interpretation guidelines (Richards et al. 2015 PMID: 25741868, with internal and published modifications).

NM_001093.4(ACACB):c.5767G>C (p.Glu1923Gln)

Gene: ACACB (acetyl-CoA carboxylase beta; plus strand). Cytogenetic location: 12q24.11.
Variant type: single nucleotide variant.
Coding change: c.5767G>C on transcript NM_001093.4 (MANE Select); coding-DNA position 5767, G replaced by C.
Protein change: p.Glu1923Gln; replaces glutamic acid 1923 with glutamine.
Molecular consequence: missense variant.
Genome position (GRCh38, 1-based): chr12:109,250,081, G>C. VCF-style: chr12-109250081-G-C. GRCh37 (hg19) VCF-style: chr12-109687886-G-C.
Other names: c.5767G>C, p.Glu1923Gln (NM_001412734.1, NM_001412735.1); c.5161G>C, p.Glu1721Gln (NM_001412736.1, NM_001412739.1); c.5140G>C, p.Glu1714Gln (NM_001412737.1); c.4972G>C, p.Glu1658Gln (NM_001412738.1); short protein forms E1658Q, E1714Q, E1721Q, E1923Q.
Identifiers: ClinVar variation 3041717 (VCV003041717.2), dbSNP rs113576948, ClinGen allele CA6774850.